The following is an entry in ClinVar:

ClinVar aggregate classification (germline): Pathogenic/Likely pathogenic. Review status: criteria provided, multiple submitters, no conflicts (2 of 4 stars). 6 submissions from 6 submitters: Pathogenic (5); Likely pathogenic (1). Last evaluated 2024-10-31.

Conditions:
SPAST-related disorder. Also called: SPAST-related condition.
Hereditary spastic paraplegia 4. Also called: Spastic paraplegia 4, autosomal dominant; Familial spastic paraplegia autosomal dominant 2; Spastic Paraplegia 4. Identifiers: Orphanet 100985, MedGen C1866855, MONDO:0008438, OMIM 182601.

Submissions (6):

Blueprint Genetics
Classification: Pathogenic for SPAST-related disorders. Last evaluated: 2024-10-31. Review status: criteria provided, single submitter. Criteria: ACMG Guidelines, 2015. Collection method: clinical testing. Allele origin: germline. Affected: yes. Observed: 5 variant alleles.

Labcorp Genetics (formerly Invitae), Labcorp
Classification: Pathogenic for Hereditary spastic paraplegia 4. Last evaluated: 2024-04-29. Review status: criteria provided, single submitter. Criteria: Invitae Variant Classification Sherloc (09022015). Collection method: clinical testing. Allele origin: germline.
Comment: This sequence change falls in intron 11 of the SPAST gene. It does not directly change the encoded amino acid sequence of the SPAST protein. It affects a nucleotide within the consensus splice site. This variant is not present in population databases (gnomAD no frequency). This variant has been observed in individuals with clinical features of hereditary spastic paraplegia (PMID: 10699187, 26671083, 34816117; Invitae). This variant is also known as c.1538+3del4. ClinVar contains an entry for this variant (Variation ID: 536445). Variants that disrupt the consensus splice site are a relatively common cause of aberrant splicing (PMID: 17576681, 9536098). Algorithms developed to predict the effect of sequence changes on RNA splicing suggest that this variant may disrupt the consensus splice site. For these reasons, this variant has been classified as Pathogenic.

Department of Human Genetics, Hannover Medical School
Classification: Likely pathogenic for Hereditary spastic paraplegia 4. Last evaluated: 2023-08-11. Review status: criteria provided, single submitter. Criteria: ACMG Guidelines, 2015. Collection method: clinical testing. Allele origin: germline. Inheritance: Autosomal dominant inheritance. Affected: yes.

Victorian Clinical Genetics Services, Murdoch Childrens Research Institute
Classification: Pathogenic for Hereditary spastic paraplegia 4. Last evaluated: 2021-05-06. Review status: criteria provided, single submitter. Criteria: ACMG Guidelines, 2015. Collection method: clinical testing. Allele origin: germline. Inheritance: Autosomal dominant inheritance.
Comment: Based on the classification scheme VCGS_Germline_v1.3.4, this variant is classified as Pathogenic. Following criteria are met: 0103 - Dominant Negative and loss-of-function are known mechanisms of disease for this gene and are associated with spastic paraplegia 4 (MIM#182601). Multiple loss of function variants have been reported, while a dominant negative mechanism has been stipulated for a small number of missense variants (ClinVar; PMID: 30006150). (I) 0107 - This gene is associated with autosomal dominant disease. (I) 0112 - The condition associated with this gene has incomplete penetrance, but this is age-dependant and only a small proportion of individuals remain asymptomatic (PMID: 30476002). (I) 0115 - Variants in this gene are known to have variable expressivity, with variable age of onset and disease severity (PMID: 30476002). (I) 0212 - Non-canonical splice site variant without proven consequence on splicing (no functional evidence available). (SP) 0251 - This variant is heterozygous. (I) 0301 - Variant is absent from gnomAD (both v2 and v3). (SP) 0505 - Abnormal splicing is predicted by in silico tools and affected nucleotide is highly conserved. (SP) 0702 - Other splice variants comparable to the one identified in this case have strong previous evidence for pathogenicity. Many different variants affecting the deleted nucleotides of this variant (c.1413+5G>C, c.1413+5G>A, c.1413+4A>G, c.1413+3A>C and c.1413+6T>C) have been reported as pathogenic and likely pathogenic in patients with hereditary spastic paraplegia (ClinVar, PMID: 30375765). (SP) 0801 - This variant has strong previous evidence of pathogenicity in unrelated individuals. This variant has been reported as pathogenic and likely pathogenic, in multiple patients with hereditary spastic paraplegia (ClinVar, PMID: 10699187, PMID: 26671083, PMID: 15841487, PMID: 23252998). (SP) 1208 - Inheritance information for this variant is not currently available in this individual. (I) Legend: (SP) - Supporting pathogenic, (I) - Information, (SB) - Supporting benign

Centre for Mendelian Genomics, University Medical Centre Ljubljana
Classification: Pathogenic for Hereditary spastic paraplegia 4. Last evaluated: 2016-01-01. Review status: criteria provided, single submitter. Criteria: ACMG Guidelines, 2015. Collection method: clinical testing. Allele origin: unknown. Affected: yes.
Comment: This variant was classified as: Pathogenic. The following ACMG criteria were applied in classifying this variant: PVS1,PM2,PP3.

Paris Brain Institute, Inserm - ICM
Classification: Pathogenic for Hereditary spastic paraplegia 4. Review status: criteria provided, single submitter. Criteria: ACMG Guidelines, 2015. Collection method: clinical testing. Allele origin: unknown. Affected: yes. Observed: 2 variant alleles.

Literature cited by the submitters: PubMed 10699187 (cited by Labcorp Genetics (formerly Invitae), Labcorp and Victorian Clinical Genetics Services, Murdoch Childrens Research Institute); PubMed 26671083 (cited by Labcorp Genetics (formerly Invitae), Labcorp and Victorian Clinical Genetics Services, Murdoch Childrens Research Institute); PubMed 34816117 (cited by Labcorp Genetics (formerly Invitae), Labcorp); PubMed 17576681 (cited by Labcorp Genetics (formerly Invitae), Labcorp); PubMed 9536098 (cited by Labcorp Genetics (formerly Invitae), Labcorp); PubMed 15841487 (cited by Victorian Clinical Genetics Services, Murdoch Childrens Research Institute); PubMed 23252998 (cited by Victorian Clinical Genetics Services, Murdoch Childrens Research Institute); PubMed 23264559 (cited by Victorian Clinical Genetics Services, Murdoch Childrens Research Institute); PubMed 30006150 (cited by Victorian Clinical Genetics Services, Murdoch Childrens Research Institute); PubMed 30375765 (cited by Victorian Clinical Genetics Services, Murdoch Childrens Research Institute); PubMed 30476002 (cited by Victorian Clinical Genetics Services, Murdoch Childrens Research Institute).

NM_014946.4(SPAST):c.1413+3_1413+6del

Gene: SPAST (spastin; plus strand). Cytogenetic location: 2p22.3.
Variant type: Deletion.
Coding change: c.1413+3_1413+6del on transcript NM_014946.4 (MANE Select); bases 3 to 6 of the intron after coding-DNA position 1413, 4 bases deleted (AAGT; older notation c.1413+3_1413+6delAAGT).
Molecular consequence: splice donor variant.
Genome position (GRCh38, 1-based): chr2:32,136,971-32,136,974, AAGT deleted; deleting any 4 consecutive bases within chr2:32,136,969-32,136,974 gives the same sequence; the c. name uses the placement nearest the transcript's 3' end. VCF-style (leftmost placement, unchanged base first): chr2-32136968-TGTAA-T. GRCh37 (hg19) VCF-style: chr2-32362037-TGTAA-T.
Other names: c.1317+3_1317+6del (NM_199436.2, NM_001377959.1); c.1410+3_1410+6del (NM_001363823.2); c.1314+3_1314+6del (NM_001363875.2); c.1413+3_1413+6delAAGT (NM_014946.3); c.1413+1_1413+4delGTAA (NM_014946.3).
Identifiers: ClinVar variation 536445 (VCV000536445.16), dbSNP rs570685843, ClinGen allele CA44749914.